The following is an entry in ClinVar:

ClinVar aggregate classification (germline): Likely pathogenic (1 of 4 stars; one submission).

Conditions:
KBG syndrome (KBGS). Also called: ANKRD11-Related KBG Syndrome. Identifiers: Orphanet 2332, MedGen C0220687, MONDO:0007846, OMIM 148050.

Submission:

Department of Human Genetics, Hannover Medical School
Classification: Likely pathogenic for KBG syndrome. Last evaluated: 2025-03-03. Review status: criteria provided, single submitter. Criteria: ACMG Guidelines, 2015. Collection method: clinical testing. Allele origin: germline. Affected: yes.
Comment: ACMG: PVS1, PM2_Supporting

NM_013275.6(ANKRD11):c.2321C>G (p.Ser774Ter)

Gene: ANKRD11 (ankyrin repeat domain 11; minus strand). Cytogenetic location: 16q24.3.
Variant type: single nucleotide variant.
Coding change: c.2321C>G on transcript NM_013275.6 (MANE Select); coding-DNA position 2321, C replaced by G.
Protein change: p.Ser774Ter; replaces serine 774 with a stop codon.
Molecular consequence: nonsense.
Genome position (GRCh38, 1-based): chr16:89,284,221, G>C on the plus strand (C>G on the coding strand, the complement: ANKRD11 is on the minus strand). VCF-style: chr16-89284221-G-C. GRCh37 (hg19) VCF-style: chr16-89350629-G-C.
Other names: c.2321C>G, p.Ser774Ter (NM_001256182.2, NM_001256183.2); short protein forms S774*.
Identifiers: ClinVar variation 3764770 (VCV003764770.1).